The following is an entry in ClinVar:

ClinVar aggregate classification (germline): Benign (1 of 4 stars; one submission).

Conditions:
Polycystic liver disease 2 (PCLD2). Also called: Polycystic liver disease 2 with or without kidney cysts. Identifiers: Orphanet 2924, MedGen C4310769, MONDO:0014860, OMIM 617004.

Allele frequency attached by ClinVar (database versions not stated): TOPMed 0.00150; gnomAD 0.00152 and 0.00166; 1000 Genomes Project 30x 0.00172; 1000 Genomes Project 0.00180.

Submission:

Illumina Laboratory Services, Illumina
Classification: Benign for Polycystic liver disease 2. Last evaluated: 2018-01-12. Review status: criteria provided, single submitter. Criteria: ICSL Variant Classification Criteria 13 December 2019. Collection method: clinical testing. Allele origin: germline.
Comment: This variant was observed in the ICSL laboratory as part of a predisposition screen in an ostensibly healthy population. It had not been previously curated by ICSL or reported in the Human Gene Mutation Database (HGMD: prior to June 1st, 2018), and was therefore a candidate for classification through an automated scoring system. Utilizing variant allele frequency, disease prevalence and penetrance estimates, and inheritance mode, an automated score was calculated to assess if this variant is too frequent to cause the disease. Based on the score and internal cut-off values, a variant classified as benign is not then subjected to further curation. The score for this variant resulted in a classification of benign for this disease.

NM_007214.5(SEC63):c.*3127C>T

Gene: SEC63 (SEC63 homolog, protein translocation regulator; minus strand). Cytogenetic location: 6q21.
Variant type: single nucleotide variant.
Coding change: c.*3127C>T on transcript NM_007214.5 (MANE Select); 3127 bases downstream of the stop codon, C replaced by T.
Molecular consequence: 3 prime UTR variant.
Genome position (GRCh38, 1-based): chr6:107,868,577, G>A on the plus strand (C>T on the coding strand, the complement: SEC63 is on the minus strand). VCF-style: chr6-107868577-G-A. GRCh37 (hg19) VCF-style: chr6-108189781-G-A.
Identifiers: ClinVar variation 354832 (VCV000354832.5), dbSNP rs541730962, ClinGen allele CA10625470.